The following is an entry in ClinVar:

ClinVar aggregate classification (germline): Uncertain significance (1 of 4 stars; one submission).

Conditions:
Hereditary cancer-predisposing syndrome. Also called: Tumor predisposition; Hereditary Cancer Syndrome; Hereditary neoplastic syndrome; Neoplastic Syndromes, Hereditary. Identifiers: Orphanet 140162, MedGen C0027672, MeSH D009386, MONDO:0015356.

Submission:

Ambry Genetics
Classification: Uncertain significance for Hereditary cancer-predisposing syndrome. Last evaluated: 2023-09-11. Review status: criteria provided, single submitter. Criteria: Ambry Variant Classification Scheme 2023. Collection method: clinical testing. Allele origin: germline.
Comment: The p.S1553N variant (also known as c.4658G>A), located in coding exon 32 of the SMARCA4 gene, results from a G to A substitution at nucleotide position 4658. The serine at codon 1553 is replaced by asparagine, an amino acid with highly similar properties. This amino acid position is highly conserved in available vertebrate species. In addition, this alteration is predicted to be tolerated by in silico analysis. Missense and in-frame variants in SMARCA4 are known to cause neurodevelopmental disorders; however, such associations with rhabdoid tumor predisposition syndrome including small cell carcinoma of the ovary-hypercalcemic type (SCCOHT) are exceedingly rare (Kosho T et al. Am J Med Genet C Semin Med Genet. 2014 Sep;166C(3):262-75; Jelinic P et al. Nat Genet. 2014 May;46(5):424-6). Based on the supporting evidence, the association of this alteration with Coffin-Siris syndrome is unknown; however, the association of this alteration with rhabdoid tumor predisposition syndrome is unlikely.

NM_003072.5(SMARCA4):c.4562G>A (p.Ser1521Asn)

Gene: SMARCA4 (SWI/SNF related BAF chromatin remodeling complex subunit ATPase 4; plus strand). Cytogenetic location: 19p13.2.
Variant type: single nucleotide variant.
Coding change: c.4562G>A on transcript NM_003072.5 (MANE Select); coding-DNA position 4562, G replaced by A.
Protein change: p.Ser1521Asn; replaces serine 1521 with asparagine.
Molecular consequence: missense variant. On other transcripts: non-coding transcript variant (1).
Genome position (GRCh38, 1-based): chr19:11,058,816, G>A. VCF-style: chr19-11058816-G-A. GRCh37 (hg19) VCF-style: chr19-11169492-G-A.
Other names: c.4562G>A, p.Ser1521Asn (NM_001128844.3); c.4472G>A, p.Ser1491Asn (NM_001128845.2); c.4469G>A, p.Ser1490Asn (NM_001128846.2); c.4463G>A, p.Ser1488Asn (NM_001128847.4, NM_001374457.1); c.4460G>A, p.Ser1487Asn (NM_001128848.2); c.4658G>A, p.Ser1553Asn (NM_001128849.3, NM_001387283.1); c.4559G>A, p.Ser1520Asn (NM_001411150.1); short protein forms S1490N, S1491N, S1521N, S1488N, S1487N, S1553N, S1520N.
Identifiers: ClinVar variation 2587150 (VCV002587150.2), dbSNP rs2147097395, ClinGen allele CA404078782.